The following is an entry in ClinVar:

NM_001382391.1(CSPP1):c.2419C>T (p.Arg807Trp)

Gene: CSPP1 (centrosome and spindle pole associated protein 1; plus strand). Cytogenetic location: 8q13.2.
Variant type: single nucleotide variant.
Coding change: c.2419C>T on transcript NM_001382391.1 (MANE Select); coding-DNA position 2419, C replaced by T.
Protein change: p.Arg807Trp; replaces arginine 807 with tryptophan.
Molecular consequence: missense variant.
Genome position (GRCh38, 1-based): chr8:67,159,018, C>T. VCF-style: chr8-67159018-C-T. GRCh37 (hg19) VCF-style: chr8-68071253-C-T.
Other names: c.1369C>T, p.Arg457Trp (NM_001291339.2); c.2338C>T, p.Arg780Trp (NM_001363131.2); c.2224C>T, p.Arg742Trp (NM_001363132.2); c.2143C>T, p.Arg715Trp (NM_001363133.2); c.2485C>T, p.Arg829Trp (NM_001364869.1); c.2305C>T, p.Arg769Trp (NM_001364870.1); c.2404C>T, p.Arg802Trp (NM_024790.7); short protein forms R457W, R715W, R742W, R769W, R780W, R802W, R807W, R829W.
Identifiers: ClinVar variation 1055009 (VCV001055009.8), dbSNP rs757384412, ClinGen allele CA4770837.

ClinVar aggregate classification (germline): Uncertain significance. Review status: criteria provided, multiple submitters, no conflicts (2 of 4 stars). 3 submissions from 3 submitters: Uncertain significance (3). Last evaluated 2024-09-23.

Conditions:
Inborn genetic diseases. Identifiers: MedGen C0950123, MeSH D030342.
Joubert syndrome 21 (JBTS21). Identifiers: MedGen C3810212, MONDO:0014288, OMIM 615636.

Allele frequency attached by ClinVar (database versions not stated): ExAC 0.00003; gnomAD exomes 0.00006; TOPMed 0.00006.

Submissions (3):

Blueprint Genetics
Classification: Uncertain significance. Last evaluated: 2024-09-23. Review status: criteria provided, single submitter. Criteria: ACMG Guidelines, 2015. Collection method: clinical testing. Allele origin: germline.

Labcorp Genetics (formerly Invitae), Labcorp
Classification: Uncertain significance for Joubert syndrome 21. Last evaluated: 2022-10-13. Review status: criteria provided, single submitter. Criteria: Invitae Variant Classification Sherloc (09022015). Collection method: clinical testing. Allele origin: germline.
Comment: This sequence change replaces arginine, which is basic and polar, with tryptophan, which is neutral and slightly polar, at codon 802 of the CSPP1 protein (p.Arg802Trp). This variant is present in population databases (rs757384412, gnomAD 0.009%). This variant has not been reported in the literature in individuals affected with CSPP1-related conditions. ClinVar contains an entry for this variant (Variation ID: 1055009). Algorithms developed to predict the effect of missense changes on protein structure and function are either unavailable or do not agree on the potential impact of this missense change (SIFT: "Deleterious"; PolyPhen-2: "Probably Damaging"; Align-GVGD: "Class C0"). In summary, the available evidence is currently insufficient to determine the role of this variant in disease. Therefore, it has been classified as a Variant of Uncertain Significance.

Ambry Genetics
Classification: Uncertain significance for Inborn genetic diseases. Last evaluated: 2022-05-06. Review status: criteria provided, single submitter. Criteria: Ambry Variant Classification Scheme 2023. Collection method: clinical testing. Allele origin: germline.